The following is an entry in ClinVar:

NM_198578.4(LRRK2):c.3488A>T (p.Asn1163Ile)

Gene: LRRK2 (leucine rich repeat kinase 2; plus strand). Cytogenetic location: 12q12.
Variant type: single nucleotide variant.
Coding change: c.3488A>T on transcript NM_198578.4 (MANE Select); coding-DNA position 3488, A replaced by T.
Protein change: p.Asn1163Ile; replaces asparagine 1163 with isoleucine.
Molecular consequence: missense variant.
Genome position (GRCh38, 1-based): chr12:40,299,249, A>T. VCF-style: chr12-40299249-A-T. GRCh37 (hg19) VCF-style: chr12-40693051-A-T.
Other names: short protein forms N1163I.
Identifiers: ClinVar variation 3229617 (VCV003229617.1), dbSNP rs1313029666, ClinGen allele CA384416004.

ClinVar aggregate classification (germline): Uncertain significance (1 of 4 stars; one submission).

Conditions:
Inborn genetic diseases. Identifiers: MedGen C0950123, MeSH D030342.

Submission:

Ambry Genetics
Classification: Uncertain significance for Inborn genetic diseases. Last evaluated: 2024-02-25. Review status: criteria provided, single submitter. Criteria: Ambry Variant Classification Scheme 2023. Collection method: clinical testing. Allele origin: germline.
Comment: The p.N1163I variant (also known as c.3488A>T), located in coding exon 25 of the LRRK2 gene, results from an A to T substitution at nucleotide position 3488. The asparagine at codon 1163 is replaced by isoleucine, an amino acid with dissimilar properties. This amino acid position is conserved. In addition, the in silico prediction for this alteration is inconclusive. Based on the available evidence, the clinical significance of this alteration remains unclear.